The following is an entry in ClinVar:

ClinVar aggregate classification (germline): Likely benign (1 of 4 stars; one submission).

Allele frequency attached by ClinVar (database versions not stated): ESP Exome Variant Server 0.00019.

Submission:

CeGaT Center for Human Genetics Tuebingen
Classification: Likely benign. Last evaluated: 2022-11-01. Review status: criteria provided, single submitter. Criteria: CeGaT Center For Human Genetics Tuebingen Variant Classification Criteria Version 2. Collection method: clinical testing. Allele origin: germline. Affected: yes. Observed: 1 variant allele.
Comment: ZNF630: BP4, BP7, BS2

NM_001282201.2(ZNF630):c.711T>C (p.Asp237=)

Genes: ZNF630 (zinc finger protein 630; minus strand), ZNF630-AS1 (ZNF630 antisense RNA 1; plus strand). Cytogenetic location: Xp11.23.
Variant type: single nucleotide variant.
Coding change: c.711T>C on transcript NM_001282201.2 (MANE Select); coding-DNA position 711, T replaced by C.
Protein change: p.Asp237=; no amino-acid change (aspartic acid 237 retained).
Molecular consequence: synonymous variant.
Genome position (GRCh38, 1-based): chrX:48,059,731, A>G on the plus strand (T>C on the coding strand, the complement: ZNF630 is on the minus strand). VCF-style: chrX-48059731-A-G. GRCh37 (hg19) VCF-style: chrX-47919120-A-G.
Other names: c.711T>C, p.Asp237= (NM_001037735.4); c.669T>C, p.Asp223= (NM_001190255.3); c.339T>C, p.Asp113= (NM_001282202.3).
Identifiers: ClinVar variation 2660441 (VCV002660441.24), dbSNP rs138608857, ClinGen allele CA10400421.
Genomic context (GRCh38, chrX:48,059,731, plus strand): 5'-TTGAAATTTCTTATACTGAACATGGGCTTGCTTATGACTGAGAACTTTTTCACATTGACT[A>G]TCTCCATAGGGCTCCATTCCAGTATGAATGAAGCCTTCCTTCTCAGGCACAGAACAGGAA-3'
Protein context (NP_001269130.1, residues 227-247): FIHTGMEPYG[Asp237=]SQCEKVLSHK